The following is an entry in ClinVar:

ClinVar aggregate classification (germline): Uncertain significance. Review status: criteria provided, multiple submitters, no conflicts (2 of 4 stars). 2 submissions from 2 submitters: Uncertain significance (2). Last evaluated 2024-04-08.

Conditions:
Cardiovascular phenotype. Identifiers: MedGen CN230736.
Primary dilated cardiomyopathy (DCM). Also called: Dilated Cardiomyopathy. Identifiers: Orphanet 217604, MedGen C0007193, MeSH D002311, MONDO:0005021, HP:0001644. Inheritance: Various modes of inheritance.

Allele frequency attached by ClinVar (database versions not stated): gnomAD exomes below 0.00001; ExAC 0.00001; gnomAD 0.00002; TOPMed 0.00003.
gnomAD v4.1: 9 of 1,613,128 alleles (0.00056%); highest among the groups gnomAD compares: African/African-American, 0.004%; no homozygotes.

Submissions (2):

Ambry Genetics
Classification: Uncertain significance for Cardiovascular phenotype. Last evaluated: 2024-04-08. Review status: criteria provided, single submitter. Criteria: Ambry Variant Classification Scheme 2023. Collection method: clinical testing. Allele origin: germline.
Comment: The c.104-3C>G intronic variant results from a C to G substitution 3 nucleotides upstream from coding exon 2 in the TXNRD2 gene. This nucleotide position is highly conserved in available vertebrate species. In silico splice site analysis predicts that this alteration may weaken the native splice acceptor site. The evidence for this gene-disease relationship is limited; therefore, the clinical significance of this alteration is unclear.

Labcorp Genetics (formerly Invitae), Labcorp
Classification: Uncertain significance for Primary dilated cardiomyopathy. Last evaluated: 2019-11-13. Review status: criteria provided, single submitter. Criteria: Invitae Variant Classification Sherloc (09022015). Collection method: clinical testing. Allele origin: germline.
Comment: In summary, the available evidence is currently insufficient to determine the role of this variant in disease. Therefore, it has been classified as a Variant of Uncertain Significance. Nucleotide substitutions within the consensus splice site are a relatively common cause of aberrant splicing (PMID: 17576681, 9536098). Algorithms developed to predict the effect of sequence changes on RNA splicing suggest that this variant may disrupt the consensus splice site, but this prediction has not been confirmed by published transcriptional studies. This variant has not been reported in the literature in individuals with TXNRD2-related conditions. This variant is present in population databases (rs746380381, ExAC 0.002%). This sequence change falls in intron 1 of the TXNRD2 gene. It does not directly change the encoded amino acid sequence of the TXNRD2 protein, but it affects a nucleotide within the consensus splice site of the intron.

Literature cited by the submitters: PubMed 17576681 (cited by Labcorp Genetics (formerly Invitae), Labcorp); PubMed 9536098 (cited by Labcorp Genetics (formerly Invitae), Labcorp).

NM_006440.5(TXNRD2):c.104-3C>G

Gene: TXNRD2 (thioredoxin reductase 2; minus strand). Cytogenetic location: 22q11.21.
Variant type: single nucleotide variant.
Coding change: c.104-3C>G on transcript NM_006440.5 (MANE Select); 3 bases into the intron before coding-DNA position 104, C replaced by G.
Molecular consequence: intron variant.
Genome position (GRCh38, 1-based): chr22:19,931,101, G>C on the plus strand (C>G on the coding strand, the complement: TXNRD2 is on the minus strand). VCF-style: chr22-19931101-G-C. GRCh37 (hg19) VCF-style: chr22-19918624-G-C.
Other names: c.104-3C>G (NM_006440.3, NM_001282512.3); c.104-6C>G (NM_001352300.2); c.-185-3C>G (NM_001352302.2); c.14-3C>G (NM_001352301.2); c.8-3C>G (NM_001352303.2).
Identifiers: ClinVar variation 967602 (VCV000967602.9), dbSNP rs746380381, ClinGen allele CA10104345.